The following is an entry in ClinVar:

NM_007294.4(BRCA1):c.5077G>C (p.Ala1693Pro)

Gene: BRCA1 (BRCA1 DNA repair associated; minus strand). Cytogenetic location: 17q21.31.
Variant type: single nucleotide variant.
Coding change: c.5077G>C on transcript NM_007294.4 (MANE Select); coding-DNA position 5077, G replaced by C.
Protein change: p.Ala1693Pro; replaces alanine 1693 with proline.
Molecular consequence: missense variant. On other transcripts: non-coding transcript variant (1).
Genome position (GRCh38, 1-based): chr17:43,063,949, C>G on the plus strand (G>C on the coding strand, the complement: BRCA1 is on the minus strand). VCF-style: chr17-43063949-C-G. GRCh37 (hg19) VCF-style: chr17-41215966-C-G.
Other names: c.4864G>C, p.Ala1622Pro (NM_001407571.1, NM_001407904.1, NM_001407906.1 and 12 more transcripts); c.5143G>C, p.Ala1715Pro (NM_001407581.1, NM_001407582.1); c.5140G>C, p.Ala1714Pro (NM_001407583.1, NM_001407585.1, NM_001407587.1 and 1 more transcripts); c.5074G>C, p.Ala1692Pro (NM_001407610.1, NM_001407611.1, NM_001407612.1 and 17 more transcripts); c.5071G>C, p.Ala1691Pro (NM_001407629.1, NM_001407630.1, NM_001407631.1 and 14 more transcripts); c.5017G>C, p.Ala1673Pro (NM_001407649.1); c.4999G>C, p.Ala1667Pro (NM_001407653.1, NM_001407654.1, NM_001407655.1); c.4996G>C, p.Ala1666Pro (NM_001407656.1, NM_001407657.1, NM_001407658.1); and 71 more; short protein forms A1646P, A589P, A1693P, A1714P, A1564P, A1566P, A1581P, A1622P.
Identifiers: ClinVar variation 864928 (VCV000864928.3), dbSNP rs1040027065, ClinGen allele CA10591369.

Conditions:
Breast-ovarian cancer, familial, susceptibility to, 1 (BROVCA1). Also called: BRCA1 Hereditary Breast and Ovarian Cancer; OVARIAN CANCER, SUSCEPTIBILITY TO. Identifiers: Orphanet 145, MedGen C2676676, MONDO:0011450, OMIM 604370. Disease mechanism: loss of function.

Submission:

Brotman Baty Institute, University of Washington
No classification provided (evidence only). Condition: Breast-ovarian cancer, familial 1. Review status: no classification provided. Collection method: in vitro. Allele origin: not applicable. Functional consequence: functionally_normal.
ClinVar note: "not provided" was previously submitted as the classification for the variant. However, the classification appeared to be based only on an observation of functional data so it was converted to no classification on 2025-07-30.